The following is an entry in ClinVar:

ClinVar aggregate classification (germline): Uncertain significance. Review status: criteria provided, multiple submitters, no conflicts (2 of 4 stars). 3 submissions from 3 submitters: Uncertain significance (3). Last evaluated 2024-02-17.

Conditions:
Inborn genetic diseases. Identifiers: MedGen C0950123, MeSH D030342.
Achondrogenesis, type IB (ACG1B). Also called: Achondrogenesis Type 1B. Identifiers: Orphanet 932, Orphanet 93298, MedGen C0265274, MONDO:0010966, OMIM 600972.
Atelosteogenesis type II (AO2). Also called: SLC26A2-Related Atelosteogenesis; NEONATAL OSSEOUS DYSPLASIA I; Neonatal osseous dysplasia 1. Identifiers: Orphanet 56304, MedGen C1850554, MONDO:0009727, OMIM 256050.
Multiple epiphyseal dysplasia type 4 (EDM4). Also called: Multiple Epiphyseal Dysplasia, Recessive; MULTIPLE EPIPHYSEAL DYSPLASIA WITH BILAYERED PATELLAE; MULTIPLE EPIPHYSEAL DYSPLASIA WITH CLUBFOOT; MULTIPLE EPIPHYSEAL DYSPLASIA, AUTOSOMAL RECESSIVE; SLC26A2-Related Multiple Epiphyseal Dysplasia. Identifiers: Orphanet 93307, MedGen C1847593, MONDO:0009189, OMIM 226900.
Diastrophic dysplasia (DTD). Also called: Diastrophic dwarfism. Identifiers: Orphanet 628, MedGen C0220726, MONDO:0009107, OMIM 222600.

Allele frequency attached by ClinVar (database versions not stated): TOPMed 0.00001; ExAC 0.00004; 1000 Genomes Project 30x 0.00016; 1000 Genomes Project 0.00020.
gnomAD v4.1: 12 of 1,613,994 alleles (0.00074%); highest among the groups gnomAD compares: East Asian, 0.016%; no homozygotes.

Submissions (3):

Ambry Genetics
Classification: Uncertain significance for Inborn genetic diseases. Last evaluated: 2024-02-17. Review status: criteria provided, single submitter. Criteria: Ambry Variant Classification Scheme 2023. Collection method: clinical testing. Allele origin: germline.

Labcorp Genetics (formerly Invitae), Labcorp
Classification: Uncertain significance for Atelosteogenesis type II; Multiple epiphyseal dysplasia type 4; Achondrogenesis, type IB; Diastrophic dysplasia. Last evaluated: 2021-11-06. Review status: criteria provided, single submitter. Criteria: Invitae Variant Classification Sherloc (09022015). Collection method: clinical testing. Allele origin: germline.
Comment: This sequence change replaces glycine, which is neutral and non-polar, with arginine, which is basic and polar, at codon 282 of the SLC26A2 protein (p.Gly282Arg). This variant is present in population databases (rs571410872, gnomAD 0.03%). This variant has not been reported in the literature in individuals affected with SLC26A2-related conditions. ClinVar contains an entry for this variant (Variation ID: 284353). Advanced modeling of protein sequence and biophysical properties (such as structural, functional, and spatial information, amino acid conservation, physicochemical variation, residue mobility, and thermodynamic stability) performed at Invitae indicates that this missense variant is expected to disrupt SLC26A2 protein function. In summary, the available evidence is currently insufficient to determine the role of this variant in disease. Therefore, it has been classified as a Variant of Uncertain Significance.

Eurofins Ntd Llc (ga)
Classification: Uncertain significance. Last evaluated: 2015-11-06. Review status: criteria provided, single submitter. Criteria: EGL Classification Definitions 2015. Collection method: clinical testing. Allele origin: germline. Observed: 1 variant allele, 1 heterozygote.

NM_000112.4(SLC26A2):c.844G>C (p.Gly282Arg)

Gene: SLC26A2 (solute carrier family 26 member 2; plus strand). Cytogenetic location: 5q32.
Variant type: single nucleotide variant.
Coding change: c.844G>C on transcript NM_000112.4 (MANE Select); coding-DNA position 844, G replaced by C.
Protein change: p.Gly282Arg; replaces glycine 282 with arginine.
Molecular consequence: missense variant.
Genome position (GRCh38, 1-based): chr5:149,980,437, G>C. VCF-style: chr5-149980437-G-C. GRCh37 (hg19) VCF-style: chr5-149360000-G-C.
Other names: c.844G>C (NM_000112.3); short protein forms G282R.
Identifiers: ClinVar variation 284353 (VCV000284353.9), dbSNP rs571410872, ClinGen allele CA3505334.
Genomic context (GRCh38, chr5:149,980,437, plus strand): 5'-TTCACTATTCTTACATCTCAGGCCAAGTATCTTCTTGGGCTCAACCTTCCTCGGACTAAT[G>C]GTGTGGGCTCACTCATCACTACCTGGATACATGTCTTCAGAAACATCCATAAGACCAATC-3'
Protein context (NP_000103.2, residues 272-292): LLGLNLPRTN[Gly282Arg]VGSLITTWIH